The following is an entry in ClinVar:

NM_000061.3(BTK):c.1516T>C (p.Cys506Arg)

Gene: BTK (Bruton tyrosine kinase; minus strand). Cytogenetic location: Xq22.1.
Variant type: single nucleotide variant.
Coding change: c.1516T>C on transcript NM_000061.3 (MANE Select); coding-DNA position 1516, T replaced by C.
Protein change: p.Cys506Arg; replaces cysteine 506 with arginine.
Molecular consequence: missense variant. On other transcripts: intron variant (1).
Genome position (GRCh38, 1-based): chrX:101,356,102, A>G on the plus strand (T>C on the coding strand, the complement: BTK is on the minus strand). VCF-style: chrX-101356102-A-G. GRCh37 (hg19) VCF-style: chrX-100611090-A-G.
Other names: c.1618T>C, p.Cys540Arg (NM_001287344.2); c.1039-1408T>C (NM_001287345.2); short protein forms C506R, C540R.
Identifiers: ClinVar variation 11376 (VCV000011376.2), dbSNP rs128621200, ClinGen allele CA255826.
Genomic context (GRCh38, chrX:101,356,102, plus strand): 5'-AAGGTCCCACCAGGTCTCGGTGAAGGAACTGCTTTGACTCCAGGTATTCCATGGCTTCAC[A>G]GACATCCTTGCACATCTCTAGCAGCTGCTGAGTCTGGAAGCGGTGGCGCATCTCCCTCAG-3'
Protein context (NP_000052.1, residues 496-516): QQLLEMCKDV[Cys506Arg]EAMEYLESKQ

ClinVar aggregate classification (germline): Uncertain significance. Review status: criteria provided, single submitter (1 of 4 stars). 2 submissions from 2 submitters: Uncertain significance (1). 1 of the submissions does not count toward it. Last evaluated 2019-01-16.

Conditions:
X-linked agammaglobulinemia with growth hormone deficiency (IGHD3). Also called: ISOLATED GROWTH HORMONE DEFICIENCY, TYPE III, WITH AGAMMAGLOBULINEMIA; AGAMMAGLOBULINEMIA AND ISOLATED GROWTH HORMONE DEFICIENCY, X-LINKED; FLEISHER SYNDROME; HYPOGAMMAGLOBULINEMIA AND ISOLATED GROWTH HORMONE DEFICIENCY, X-LINKED; IGHD III; Isolated growth hormone deficiency type 3. Identifiers: Orphanet 231692, Orphanet 631, MedGen C0472813, MONDO:0010615, OMIM 307200.
X-linked agammaglobulinemia (XLA). Also called: Agammaglobulinemia, Bruton tyrosine kinase; Agammaglobulinemia, BTK; BTK-deficiency; IMMUNODEFICIENCY 1; Bruton's agammaglobulinemia; AGAMMAGLOBULINEMIA, X-LINKED, TYPE 1. Identifiers: Orphanet 229717, Orphanet 47, MedGen C0221026, MONDO:0010421, OMIM 300755.

Allele frequency attached by ClinVar (database versions not stated): gnomAD exomes below 0.00001.
gnomAD v4.1: 1 of 1,211,505 alleles (0.000083%); highest among the groups gnomAD compares: Non-Finnish European, 0.00011%; no homozygotes.

Submissions (2):

Labcorp Genetics (formerly Invitae), Labcorp
Classification: Uncertain significance for X-linked agammaglobulinemia with growth hormone deficiency. Last evaluated: 2019-01-16. Review status: criteria provided, single submitter. Criteria: Invitae Variant Classification Sherloc (09022015). Collection method: clinical testing. Allele origin: germline.
Comment: This sequence change replaces cysteine with arginine at codon 506 of the BTK protein (p.Cys506Arg). The cysteine residue is moderately conserved and there is a large physicochemical difference between cysteine and arginine. This variant is not present in population databases (ExAC no frequency). This variant has been observed in an individual affected with X-linked agammaglobulinemia (PMID: 7880320). ClinVar contains an entry for this variant (Variation ID: 11376). Algorithms developed to predict the effect of missense changes on protein structure and function are either unavailable or do not agree on the potential impact of this missense change (SIFT: "Deleterious"; PolyPhen-2: "Probably Damaging"; Align-GVGD: "Class C15"). This variant disrupts the p.Cys506 amino acid residue in BTK. Other variant(s) that disrupt this residue have been observed in individuals with BTK-related conditions (PMID: 15661032, 9143921, 9445504, 10859027), suggesting that it is a clinically significant residue. As a result, variants that disrupt this residue are likely to be causative of disease. In summary, the available evidence is currently insufficient to determine the role of this variant in disease. Therefore, it has been classified as a Variant of Uncertain Significance.

OMIM
Classification: Pathogenic for AGAMMAGLOBULINEMIA, X-LINKED. Last evaluated: 1994-10-01. Review status: no assertion criteria provided. Collection method: literature only. Allele origin: germline. Not counted in ClinVar's aggregate classification.

Literature cited by the submitters: PubMed 10859027 (cited by Labcorp Genetics (formerly Invitae), Labcorp); PubMed 9445504 (cited by Labcorp Genetics (formerly Invitae), Labcorp); PubMed 7880320 (cited by Labcorp Genetics (formerly Invitae), Labcorp and OMIM); PubMed 9143921 (cited by Labcorp Genetics (formerly Invitae), Labcorp); PubMed 15661032 (cited by Labcorp Genetics (formerly Invitae), Labcorp).